The following is an entry in ClinVar:

ClinVar aggregate classification (germline): Likely pathogenic (1 of 4 stars; one submission).

Submission:

Athena Diagnostics
Classification: Likely pathogenic. Last evaluated: 2020-07-07. Review status: criteria provided, single submitter. Criteria: Athena Diagnostics Criteria. Collection method: clinical testing. Allele origin: unknown.
Comment: Not found in the total gnomAD dataset, and the data is high quality. Located in potentially critical domain of the protein. Segregation with disease in affected individuals from a single family.

NM_002739.5(PRKCG):c.401_402delinsTT (p.Cys134Phe)

Gene: PRKCG (protein kinase C gamma; plus strand). Cytogenetic location: 19q13.42.
Variant type: Indel.
Coding change: c.401_402delinsTT on transcript NM_002739.5 (MANE Select); coding-DNA positions 401 to 402, GC replaced by TT.
Protein change: p.Cys134Phe; replaces cysteine 134 with phenylalanine.
Molecular consequence: missense variant.
Genome position (GRCh38, 1-based): chr19:53,889,889-53,889,890, GC replaced by TT. VCF-style: chr19-53889889-GC-TT. GRCh37 (hg19) VCF-style: chr19-54393143-GC-TT.
Other names: c.401_402delinsTT, p.Cys134Phe (NM_001316329.2); short protein forms C134F.
Identifiers: ClinVar variation 994944 (VCV000994944.1), dbSNP rs2068659442, ClinGen allele CA1139666580.